The following is an entry in ClinVar:

NM_032043.3(BRIP1):c.2222T>C (p.Val741Ala)

Gene: BRIP1 (BRCA1 interacting DNA helicase 1; minus strand). Cytogenetic location: 17q23.2.
Variant type: single nucleotide variant.
Coding change: c.2222T>C on transcript NM_032043.3 (MANE Select); coding-DNA position 2222, T replaced by C.
Protein change: p.Val741Ala; replaces valine 741 with alanine.
Molecular consequence: missense variant.
Genome position (GRCh38, 1-based): chr17:61,744,467, A>G on the plus strand (T>C on the coding strand, the complement: BRIP1 is on the minus strand). VCF-style: chr17-61744467-A-G. GRCh37 (hg19) VCF-style: chr17-59821828-A-G.
Other names: short protein forms V741A.
Identifiers: ClinVar variation 483169 (VCV000483169.17), dbSNP rs1555591357, ClinGen allele CA400482933.

ClinVar aggregate classification (germline): Uncertain significance. Review status: criteria provided, multiple submitters, no conflicts (2 of 4 stars). 2 submissions from 2 submitters: Uncertain significance (2). Last evaluated 2025-11-25.

Conditions:
Hereditary cancer-predisposing syndrome. Also called: Hereditary neoplastic syndrome; Neoplastic Syndromes, Hereditary; Tumor predisposition; Hereditary Cancer Syndrome. Identifiers: Orphanet 140162, MedGen C0027672, MeSH D009386, MONDO:0015356.
Fanconi anemia complementation group J. Also called: BRIP1-Related Fanconi Anemia. Identifiers: Orphanet 84, MedGen C1836860, MONDO:0012187, OMIM 609054.
Familial cancer of breast. Also called: BREAST CANCER, FAMILIAL; Hereditary breast cancer; hereditary breast carcinoma. Identifiers: Orphanet 227535, MedGen C0346153, MONDO:0016419, OMIM 114480. Disease mechanism: loss of function.

Submissions (2):

Ambry Genetics
Classification: Uncertain significance for Hereditary cancer-predisposing syndrome. Last evaluated: 2025-11-25. Review status: criteria provided, single submitter. Criteria: Ambry Variant Classification Scheme 2023. Collection method: clinical testing. Allele origin: germline.
Comment: The p.V741A variant (also known as c.2222T>C), located in coding exon 14 of the BRIP1 gene, results from a T to C substitution at nucleotide position 2222. The valine at codon 741 is replaced by alanine, an amino acid with similar properties. This variant was not reported in population based cohorts in the following databases: Database of Single Nucleotide Polymorphisms (dbSNP), NHLBI Exome Sequencing Project (ESP), and 1000 Genomes Project. In the ESP, this variant was not observed in 6503 samples (13006 alleles) with coverage at this position. To date, this alteration has been detected with an allele frequency of approximately 0.001% (greater than 175000 alleles tested) in our clinical cohort. This amino acid position is not well conserved in available vertebrate species. In addition, this alteration is predicted to be tolerated by in silico analysis. Since supporting evidence is limited at this time, the clinical significance of this alteration remains unclear.

Labcorp Genetics (formerly Invitae), Labcorp
Classification: Uncertain significance for Familial cancer of breast; Fanconi anemia complementation group J. Last evaluated: 2025-10-19. Review status: criteria provided, single submitter. Criteria: Invitae Variant Classification Sherloc (09022015). Collection method: clinical testing. Allele origin: germline.
Comment: This sequence change replaces valine, which is neutral and non-polar, with alanine, which is neutral and non-polar, at codon 741 of the BRIP1 protein (p.Val741Ala). This variant is not present in population databases (gnomAD no frequency). This variant has not been reported in the literature in individuals affected with BRIP1-related conditions. ClinVar contains an entry for this variant (Variation ID: 483169). Invitae Evidence Modeling of protein sequence and biophysical properties (such as structural, functional, and spatial information, amino acid conservation, physicochemical variation, residue mobility, and thermodynamic stability) indicates that this missense variant is not expected to disrupt BRIP1 protein function with a negative predictive value of 95%. In summary, the available evidence is currently insufficient to determine the role of this variant in disease. Therefore, it has been classified as a Variant of Uncertain Significance.